The following is an entry in ClinVar:

ClinVar aggregate classification (germline): Uncertain significance (1 of 4 stars; one submission).

gnomAD v4.1: 3 of 1,614,220 alleles (0.00019%); highest among the groups gnomAD compares: Non-Finnish European, 0.00025%; no homozygotes.

Submission:

Women's Health and Genetics/Laboratory Corporation of America, LabCorp
Classification: Uncertain significance. Last evaluated: 2025-07-03. Review status: criteria provided, single submitter. Criteria: LabCorp Variant Classification Summary - May 2015. Collection method: clinical testing. Allele origin: germline.
Comment: Variant summary: SLC25A15 c.578T>C (p.Leu193Pro) results in a non-conservative amino acid change in the encoded protein sequence. Algorithms developed to predict the effect of missense changes on protein structure and function all suggest that this variant is likely to be disruptive. The variant was absent in 251492 control chromosomes. The available data on variant occurrences in the general population are insufficient to allow any conclusion about variant significance. c.578T>C has been observed in an individual affected with Hyperornithinemia-Hyperammonemia-Homocitrullinuria Syndrome (Filosto_2013). These data do not allow any conclusion about variant significance. To our knowledge, no experimental evidence demonstrating an impact on protein function has been reported. The following publication have been ascertained in the context of this evaluation (PMID: 23247599). No submitters have cited clinical-significance assessments for this variant to ClinVar. Based on the evidence outlined above, the variant was classified as uncertain significance.

Literature cited by the submitters: PubMed 23247599.

NM_014252.4(SLC25A15):c.578T>C (p.Leu193Pro)

Gene: SLC25A15 (solute carrier family 25 member 15; plus strand). Cytogenetic location: 13q14.11.
Variant type: single nucleotide variant.
Coding change: c.578T>C on transcript NM_014252.4 (MANE Select); coding-DNA position 578, T replaced by C.
Protein change: p.Leu193Pro; replaces leucine 193 with proline.
Molecular consequence: missense variant.
Genome position (GRCh38, 1-based): chr13:40,807,419, T>C. VCF-style: chr13-40807419-T-C. GRCh37 (hg19) VCF-style: chr13-41381555-T-C.
Other names: short protein forms L193P.
Identifiers: ClinVar variation 3911935 (VCV003911935.2).